The following is an entry in ClinVar:

NM_001085049.3(MRAS):c.235G>C (p.Glu79Gln)

Gene: MRAS (muscle RAS oncogene homolog; plus strand). Cytogenetic location: 3q22.3.
Variant type: single nucleotide variant.
Coding change: c.235G>C on transcript NM_001085049.3 (MANE Select); coding-DNA position 235, G replaced by C.
Protein change: p.Glu79Gln; replaces glutamic acid 79 with glutamine.
Molecular consequence: missense variant.
Genome position (GRCh38, 1-based): chr3:138,397,365, G>C. VCF-style: chr3-138397365-G-C. GRCh37 (hg19) VCF-style: chr3-138116207-G-C.
Other names: c.235G>C, p.Glu79Gln (NM_001252090.2, NM_012219.4); c.7G>C, p.Glu3Gln (NM_001252091.1, NM_001252092.2, NM_001252093.2); short protein forms E3Q, E79Q.
Identifiers: ClinVar variation 3397804 (VCV003397804.1).
Genomic context (GRCh38, chr3:138,397,365, plus strand): 5'-TGGCCTCATCCCACCCCAGTTCTGGACACAGCTGGGCAGGAGGAATTCAGCGCCATGCGG[G>C]AGCAATACATGCGCACGGGGGATGGCTTCCTCATCGTCTACTCCGTCACTGACAAGGCCA-3'
Protein context (NP_001078518.1, residues 69-89): AGQEEFSAMR[Glu79Gln]QYMRTGDGFL

ClinVar aggregate classification (germline): Uncertain significance (1 of 4 stars; one submission).

Conditions:
Inborn genetic diseases. Identifiers: MedGen C0950123, MeSH D030342.

gnomAD v4.1: 1 of 1,614,136 alleles (0.000062%); no homozygotes.

Submission:

Ambry Genetics
Classification: Uncertain significance for Inborn genetic diseases. Last evaluated: 2024-11-17. Review status: criteria provided, single submitter. Criteria: Ambry Variant Classification Scheme 2023. Collection method: clinical testing. Allele origin: germline.
Comment: The p.E79Q variant (also known as c.235G>C), located in coding exon 2 of the MRAS gene, results from a G to C substitution at nucleotide position 235. The glutamic acid at codon 79 is replaced by glutamine, an amino acid with highly similar properties. This amino acid position is conserved. In addition, the in silico prediction for this alteration is inconclusive. Based on the available evidence, the clinical significance of this variant remains unclear.